The following is an entry in ClinVar:

ClinVar aggregate classification (germline): Uncertain significance (1 of 4 stars; one submission).

gnomAD v4.1: 1 of 1,613,530 alleles (0.000062%); highest among the groups gnomAD compares: Non-Finnish European, 0.000085%; no homozygotes.

Submission:

Ambry Genetics
Classification: Uncertain significance. Last evaluated: 2024-05-30. Review status: criteria provided, single submitter. Criteria: Ambry Variant Classification Scheme 2023. Collection method: clinical testing. Allele origin: germline.
Comment: The p.V159L variant (also known as c.475G>C), located in coding exon 4 of the BUB3 gene, results from a G to C substitution at nucleotide position 475. The valine at codon 159 is replaced by leucine, an amino acid with highly similar properties. This amino acid position is conserved. In addition, the in silico prediction for this alteration is inconclusive. Based on the available evidence, the clinical significance of this variant remains unclear.

NM_004725.4(BUB3):c.475G>C (p.Val159Leu)

Gene: BUB3 (BUB3 mitotic checkpoint protein; plus strand). Cytogenetic location: 10q26.13.
Variant type: single nucleotide variant.
Coding change: c.475G>C on transcript NM_004725.4 (MANE Select); coding-DNA position 475, G replaced by C.
Protein change: p.Val159Leu; replaces valine 159 with leucine.
Molecular consequence: missense variant.
Genome position (GRCh38, 1-based): chr10:123,160,464, G>C. VCF-style: chr10-123160464-G-C. GRCh37 (hg19) VCF-style: chr10-124919980-G-C.
Other names: c.475G>C, p.Val159Leu (NM_001007793.3); short protein forms V159L.
Identifiers: ClinVar variation 3262312 (VCV003262312.1).